The following is an entry in ClinVar:

NM_000552.5(VWF):c.5085_5087del (p.Leu1696del)

Gene: VWF (von Willebrand factor; minus strand). Cytogenetic location: 12p13.31.
Variant type: Deletion.
Coding change: c.5085_5087del on transcript NM_000552.5 (MANE Select); coding-DNA positions 5085 to 5087, 3 bases deleted (CCT; older notation c.5085_5087delCCT).
Protein change: p.Leu1696del; deletes leucine 1696.
Molecular consequence: inframe deletion.
Genome position (GRCh38, 1-based): chr12:6,016,837-6,016,839, AGG deleted on the plus strand (CCT on the coding strand, the reverse complement: VWF is on the minus strand); deleting any 3 consecutive bases within chr12:6,016,837-6,016,841 gives the same sequence; the c. name uses the placement nearest the transcript's 3' end. VCF-style (leftmost placement, unchanged base first): chr12-6016836-CAGG-C. GRCh37 (hg19) VCF-style: chr12-6126002-CAGG-C.
Other names: c.5085_5087delCCT (NM_000552.5); short protein forms L1696del.
Identifiers: ClinVar variation 1065257 (VCV001065257.5), dbSNP rs2136409523, ClinGen allele CA2499221793.
Genomic context (GRCh38, chr12:6,016,836, plus strand): 5'-AGCCTTGGCGAAACTCTTCATTTCATCAAAATAAGAAGCTGGGAAACTGGAGGAGCCATC[CAGG>C]AGAAGGATCACGTCCAGGGGCTGGCTGCAGTCTGCAAAGACAACCAGGAAGGTGAGCACA-3'

ClinVar aggregate classification (germline): Uncertain significance. Review status: criteria provided, multiple submitters, no conflicts (2 of 4 stars). 4 submissions from 4 submitters: Uncertain significance (3). 1 of the submissions does not count toward it. Last evaluated 2025-09-03.

Conditions:
von Willebrand disease type 3 (VWD3). Also called: Type 3 Von Willebrand's disease; Type 3 VWD; Von Willebrand disease, severe form; V WD3; VON WILLEBRAND DISEASE, TYPE III. Identifiers: Orphanet 166096, MedGen C1264041, MONDO:0010191, OMIM 277480.

Submissions (4):

Women's Health and Genetics/Laboratory Corporation of America, LabCorp
Classification: Uncertain significance. Last evaluated: 2025-09-03. Review status: criteria provided, single submitter. Criteria: LabCorp Variant Classification Summary - May 2015. Collection method: clinical testing. Allele origin: germline.
Comment: Variant summary: VWF c.5085_5087delCCT (p.Leu1696del) results in an in-frame deletion that is predicted to remove one amino acid from the encoded protein. The variant was absent in 251374 control chromosomes. The available data on variant occurrences in the general population are insufficient to allow any conclusion about variant significance. c.5085_5087delCCT has been observed in a heterozygous individual affected with Von Willebrand Disease type 3, or in individuals affected with Von Willebrand Disease type 1 or 2A without reported genotypes/second variants (e.g. Sutherland_2009, Shen_2016, Sadler_2021). These report(s) do not provide unequivocal conclusions about association of the variant with Von Willebrand Disease. To our knowledge, no experimental evidence demonstrating an impact on protein function has been reported. The following publications have been ascertained in the context of this evaluation (PMID: 33556167, 27766062, 19601990). ClinVar contains an entry for this variant (Variation ID: 1065257). Based on the evidence outlined above, the variant was classified as uncertain significance.

ARUP Laboratories, Molecular Genetics and Genomics, ARUP Laboratories
Classification: Uncertain significance. Last evaluated: 2025-07-16. Review status: criteria provided, single submitter. Criteria: ARUP Molecular Germline Variant Investigation Process 2024. Collection method: clinical testing. Allele origin: germline.
Comment: The VWF c.5085_5087del; p.Leu1696del variant (rs2136409523, ClinVar Variation ID: 1065257), is reported in the literature in individuals affected with von Willebrand disease type 3 (VWD; Baronciani 2021, Sutherland 2009) and in an individual with VWD type 2A (Shen 2016) and an individual with VWD type 1 (reported as 5085_5087delCCT, Sadler 2021). This variant is absent from the Genome Aggregation Database (v2.1.1), indicating it is not a common polymorphism. This variant deletes a single leucine residue leaving the rest of the protein in-frame. Due to limited information, the clinical significance of this variant is uncertain at this time. References: Baronciani L et al. Genotypes of European and Iranian patients with type 3 von Willebrand disease enrolled in 3WINTERS-IPS. Blood Adv. 2021 Aug 10;5(15):2987-3001. PMID: 34351388. Sadler B et al. von Willebrand factor antigen levels are associated with burden of rare nonsynonymous variants in the VWF gene. Blood. 2021 Jun 10;137(23):3277-3283. PMID: 33556167. Shen MC et al. De novo mutation and somatic mosaicism of gene mutation in type 2A, 2B and 2M VWD. Thromb J. 2016 Oct 4;14(Suppl 1):36. PMID: 27766062. Sutherland MS et al. The mutation spectrum associated with type 3 von Willebrand disease in a cohort of patients from the north west of England. Haemophilia. 2009 Sep;15(5):1048-57. PMID: 19601990.

Quest Diagnostics Nichols Institute San Juan Capistrano
Classification: Uncertain significance. Last evaluated: 2023-09-06. Review status: criteria provided, single submitter. Criteria: Quest Diagnostics criteria. Collection method: clinical testing. Allele origin: unknown.
Comment: In the published literature, this variant has been reported in an individual with type 2A von Willebrand disease (VWD) (PMID: 27766062 (2016)), and individuals with suspected type 3 VWD (PMIDs: 34351388 (2021), 19601990 (2009)). This variant has not been reported in large, multi-ethnic general populations (Genome Aggregation Database). Based on the available information, we are unable to determine the clinical significance of this variant.

Angelo Bianchi Bonomi Hemophilia and Thrombosis Center, Fondazione IRCCS Ca Granda Ospedale Maggiore Policlinico
Classification: Likely pathogenic for von Willebrand disease type 3. Last evaluated: 2021-04-12. Review status: no assertion criteria provided. Collection method: clinical testing. Allele origin: germline. Affected: yes. Study: Type 3 Von Willebrand International Registries Inhibitor Prospective Study (3WINTERS-IPS). Not counted in ClinVar's aggregate classification.

Literature cited by the submitters: PubMed 33556167 (cited by Women's Health and Genetics/Laboratory Corporation of America, LabCorp); PubMed 19601990 (cited by Women's Health and Genetics/Laboratory Corporation of America, LabCorp and Quest Diagnostics Nichols Institute San Juan Capistrano); PubMed 27766062 (cited by Women's Health and Genetics/Laboratory Corporation of America, LabCorp and Quest Diagnostics Nichols Institute San Juan Capistrano); PubMed 34351388 (cited by Quest Diagnostics Nichols Institute San Juan Capistrano).